The following is an entry in ClinVar:

NM_000264.5(PTCH1):c.210T>G (p.Ala70=)

Gene: PTCH1 (patched 1; minus strand). Cytogenetic location: 9q22.32.
Variant type: single nucleotide variant.
Coding change: c.210T>G on transcript NM_000264.5 (MANE Select); coding-DNA position 210, T replaced by G.
Protein change: p.Ala70=; no amino-acid change (alanine 70 retained).
Molecular consequence: synonymous variant. On other transcripts: 5 prime UTR variant (4), non-coding transcript variant (1).
Genome position (GRCh38, 1-based): chr9:95,506,591, A>C on the plus strand (T>G on the coding strand, the complement: PTCH1 is on the minus strand). VCF-style: chr9-95506591-A-C. GRCh37 (hg19) VCF-style: chr9-98268873-A-C.
Other names: c.12T>G, p.Ala4= (NM_001083602.3, NM_001354919.2); c.207T>G, p.Ala69= (NM_001083603.3); c.-244T>G (NM_001083604.3, NM_001083605.3, NM_001083606.3 and 1 more transcripts); c.210T>G, p.Ala70= (NM_001354918.2).
Identifiers: ClinVar variation 4532898 (VCV004532898.1).

ClinVar aggregate classification (germline): Uncertain significance (1 of 4 stars; one submission).

Submission:

Quest Diagnostics Nichols Institute San Juan Capistrano
Classification: Uncertain significance. Last evaluated: 2024-12-20. Review status: criteria provided, single submitter. Criteria: Quest Diagnostics criteria. Collection method: clinical testing. Allele origin: unknown.
Comment: The PTCH1 c.210T>G (p.Ala70=) synonymous variant has not been reported in individuals with PTCH1-related conditions in the published literature. It also has not been reported in large, multi-ethnic general populations (Genome Aggregation Database). Analysis of this variant using software algorithms for the prediction of the effect of nucleotide changes on splicing yielded predictions that this variant does not affect PTCH1 mRNA splicing. Based on the available information, we are unable to determine the clinical significance of this variant.